The following is an entry in ClinVar:

ClinVar aggregate classification (germline): Likely benign. Review status: criteria provided, multiple submitters, no conflicts (2 of 4 stars). 2 submissions from 2 submitters: Likely benign (2). Last evaluated 2024-11-13.

Submissions (2):

Labcorp Genetics (formerly Invitae), Labcorp
Classification: Likely benign. Last evaluated: 2024-11-13. Review status: criteria provided, single submitter. Criteria: Invitae Variant Classification Sherloc (09022015). Collection method: clinical testing. Allele origin: germline.

GeneDx
Classification: Likely benign. Last evaluated: 2020-07-14. Review status: criteria provided, single submitter. Criteria: GeneDx Variant Classification Process June 2021. Collection method: clinical testing. Allele origin: germline. Affected: yes.
Comment: Has not been previously published as pathogenic or benign to our knowledge

NM_031407.7(HUWE1):c.3973-5_3973-2del

Gene: HUWE1 (HECT, UBA and WWE domain containing E3 ubiquitin protein ligase 1; minus strand). Cytogenetic location: Xp11.22.
Variant type: Deletion.
Coding change: c.3973-5_3973-2del on transcript NM_031407.7 (MANE Select); 5 bases into the intron before coding-DNA position 3973 through the canonical splice acceptor site of the intron before coding-DNA position 3973, 4 bases deleted (TGTA; older notation c.3973-5_3973-2delTGTA).
Molecular consequence: splice acceptor variant.
Genome position (GRCh38, 1-based): chrX:53,591,124-53,591,127, TACA deleted on the plus strand (TGTA on the coding strand, the reverse complement: HUWE1 is on the minus strand); deleting any 4 consecutive bases within chrX:53,591,124-53,591,129 gives the same sequence; the c. name uses the placement nearest the transcript's 3' end. VCF-style (leftmost placement, unchanged base first): chrX-53591123-CTACA-C. GRCh37 (hg19) VCF-style: chrX-53618083-CTACA-C.
Identifiers: ClinVar variation 1201422 (VCV001201422.6), dbSNP rs782250049, ClinGen allele CA10422471.